The following is an entry in ClinVar:

ClinVar aggregate classification (germline): Pathogenic (1 of 4 stars; one submission).

Conditions:
Neurofibromatosis, type 1 (NF1). Also called: VON RECKLINGHAUSEN DISEASE; NEUROFIBROMATOSIS, TYPE I, SOMATIC; Peripheral type neurofibromatosis; Neurofibromatosis, type I. Identifiers: Orphanet 636, MedGen C0027831, MONDO:0018975, OMIM 162200. Disease mechanism: loss of function.

Submission:

Labcorp Genetics (formerly Invitae), Labcorp
Classification: Pathogenic for Neurofibromatosis, type 1. Last evaluated: 2024-06-17. Review status: criteria provided, single submitter. Criteria: Invitae Variant Classification Sherloc (09022015). Collection method: clinical testing. Allele origin: germline.
Comment: This sequence change creates a premature translational stop signal (p.Lys2574Phefs*3) in the NF1 gene. It is expected to result in an absent or disrupted protein product. Loss-of-function variants in NF1 are known to be pathogenic (PMID: 10712197, 23913538). This variant is not present in population databases (gnomAD no frequency). This premature translational stop signal has been observed in individual(s) with neurofibromatosis Type I (PMID: 23913538). For these reasons, this variant has been classified as Pathogenic.

Literature cited by the submitters: PubMed 10712197; PubMed 23913538.

NM_001042492.3(NF1):c.7775_7781dup (p.Lys2595fs)

Gene: NF1 (neurofibromin 1; plus strand). Cytogenetic location: 17q11.2.
Variant type: Duplication.
Coding change: c.7775_7781dup on transcript NM_001042492.3 (MANE Select); coding-DNA positions 7775 to 7781, 7 bases duplicated (ATTTACG; older notation c.7775_7781dupATTTACG).
Protein change: p.Lys2595fs; shifts the reading frame from lysine 2595.
Molecular consequence: frameshift variant.
Genome position (GRCh38, 1-based): chr17:31,356,996-31,357,002, ATTTACG duplicated. VCF-style (leftmost placement, unchanged base first): chr17-31356995-C-CATTTACG. GRCh37 (hg19) VCF-style: chr17-29684013-C-CATTTACG.
Other names: c.7712_7718dup, p.Lys2574Phefs (NM_000267.4); short protein forms K2574fs, K2595fs.
Identifiers: ClinVar variation 3722700 (VCV003722700.2).
Genomic context (GRCh38, chr17:31,356,995, plus strand): 5'-ACGTTAATTCCCTATCTTGCTGCAGAAACTCAGAGGATTTCCTCATCACAACAGCACCCA[C>CATTTACG]ATTTACGTAAAGTTTCAGTGTCTGAATCAAATGTTCTCTTGGATGAAGAAGTACTTACTG-3'